The following is an entry in ClinVar:

ClinVar aggregate classification (germline): Uncertain significance (1 of 4 stars; one submission).

Conditions:
Familial cold autoinflammatory syndrome 2 (FCAS2). Identifiers: Orphanet 247868, MedGen C2673198, MONDO:0012724, OMIM 611762.

Allele frequency attached by ClinVar (database versions not stated): TOPMed 0.00001; gnomAD 0.00002.
gnomAD v4.1: 3 of 1,613,904 alleles (0.00019%); highest among the groups gnomAD compares: African/African-American, 0.004%; no homozygotes.

Submission:

Labcorp Genetics (formerly Invitae), Labcorp
Classification: Uncertain significance for Familial cold autoinflammatory syndrome 2. Last evaluated: 2022-08-13. Review status: criteria provided, single submitter. Criteria: Invitae Variant Classification Sherloc (09022015). Collection method: clinical testing. Allele origin: germline.
Comment: This variant is not present in population databases (gnomAD no frequency). This sequence change replaces phenylalanine, which is neutral and non-polar, with leucine, which is neutral and non-polar, at codon 137 of the NLRP12 protein (p.Phe137Leu). This variant has not been reported in the literature in individuals affected with NLRP12-related conditions. In summary, the available evidence is currently insufficient to determine the role of this variant in disease. Therefore, it has been classified as a Variant of Uncertain Significance. Algorithms developed to predict the effect of missense changes on protein structure and function are either unavailable or do not agree on the potential impact of this missense change (SIFT: "Deleterious"; PolyPhen-2: "Possibly Damaging"; Align-GVGD: "Class C0").

NM_144687.4(NLRP12):c.411C>A (p.Phe137Leu)

Gene: NLRP12 (NLR family pyrin domain containing 12; minus strand). Cytogenetic location: 19q13.42.
Variant type: single nucleotide variant.
Coding change: c.411C>A on transcript NM_144687.4 (MANE Select); coding-DNA position 411, C replaced by A.
Protein change: p.Phe137Leu; replaces phenylalanine 137 with leucine.
Molecular consequence: missense variant.
Genome position (GRCh38, 1-based): chr19:53,811,248, G>T on the plus strand (C>A on the coding strand, the complement: NLRP12 is on the minus strand). VCF-style: chr19-53811248-G-T. GRCh37 (hg19) VCF-style: chr19-54314502-G-T.
Other names: c.411C>A, p.Phe137Leu (NM_001277126.2, NM_001277129.1); short protein forms F137L.
Identifiers: ClinVar variation 1971429 (VCV001971429.5), dbSNP rs1438042635, ClinGen allele CA407417069.